The following is an entry in ClinVar:

NM_000632.4(ITGAM):c.1497+1del

Gene: ITGAM (integrin subunit alpha M; plus strand). Cytogenetic location: 16p11.2.
Variant type: Deletion.
Coding change: c.1497+1del on transcript NM_000632.4 (MANE Select); the canonical splice donor site of the intron after coding-DNA position 1497, one base deleted (G; older notation c.1497+1delG).
Molecular consequence: splice donor variant.
Genome position (GRCh38, 1-based): chr16:31,297,655, G deleted; the last of 6 consecutive G bases (chr16:31,297,650-31,297,655); deleting any one gives the same sequence. VCF-style (leftmost placement, unchanged base first): chr16-31297649-AG-A. GRCh37 (hg19) VCF-style: chr16-31308970-AG-A.
Other names: c.1497+1del (NM_001145808.2).
Identifiers: ClinVar variation 1432110 (VCV001432110.7), dbSNP rs748829427, ClinGen allele CA8025564.

ClinVar aggregate classification (germline): Uncertain significance (1 of 4 stars; one submission).

Submission:

Labcorp Genetics (formerly Invitae), Labcorp
Classification: Uncertain significance. Last evaluated: 2024-11-11. Review status: criteria provided, single submitter. Criteria: Invitae Variant Classification Sherloc (09022015). Collection method: clinical testing. Allele origin: germline.
Comment: This sequence change affects a splice site in intron 13 of the ITGAM gene. It is expected to disrupt RNA splicing. Variants that disrupt the donor or acceptor splice site typically lead to a loss of protein function (PMID: 16199547), however the current clinical and genetic evidence is not sufficient to establish whether loss-of-function variants in ITGAM cause disease. The frequency data for this variant in the population databases is considered unreliable, as metrics indicate poor data quality at this position in the gnomAD database. This variant has not been reported in the literature in individuals affected with ITGAM-related conditions. ClinVar contains an entry for this variant (Variation ID: 1432110). In summary, the available evidence is currently insufficient to determine the role of this variant in disease. Therefore, it has been classified as a Variant of Uncertain Significance.

Literature cited by the submitters: PubMed 16199547 (cited by Labcorp Genetics (formerly Invitae), Labcorp).